The following is an entry in ClinVar:

NM_001278.5(CHUK):c.2054C>T (p.Pro685Leu)

Gene: CHUK (component of inhibitor of nuclear factor kappa B kinase complex; minus strand). Cytogenetic location: 10q24.31.
Variant type: single nucleotide variant.
Coding change: c.2054C>T on transcript NM_001278.5 (MANE Select); coding-DNA position 2054, C replaced by T.
Protein change: p.Pro685Leu; replaces proline 685 with leucine.
Molecular consequence: missense variant.
Genome position (GRCh38, 1-based): chr10:100,193,352, G>A on the plus strand (C>T on the coding strand, the complement: CHUK is on the minus strand). VCF-style: chr10-100193352-G-A. GRCh37 (hg19) VCF-style: chr10-101953109-G-A.
Other names: c.2054C>T, p.Pro685Leu (NM_001320928.2); short protein forms P685L.
Identifiers: ClinVar variation 1394121 (VCV001394121.5), dbSNP rs148373303, ClinGen allele CA5646276.
Genomic context (GRCh38, chr10:100,193,352, plus strand): 5'-ACCCACCCATCTTGAGGAGTTACCACACATGACAGAGAATGATCATGTTCTGCTGAAGTC[G>A]GGGGCAGCCATGCTGATGTCTGAGGGGTTACTGCACCTTCTAGACTGGATCCTACAAGGG-3'
Protein context (NP_001269.3, residues 675-695): VTPQTSAWLP[Pro685Leu]TSAEHDHSLS

ClinVar aggregate classification (germline): Uncertain significance (1 of 4 stars; one submission).

Allele frequency attached by ClinVar (database versions not stated): gnomAD exomes 0.00014; 1000 Genomes Project 0.00040; 1000 Genomes Project 30x 0.00047; ESP Exome Variant Server 0.00054.
gnomAD v4.1: 535 of 1,614,026 alleles (0.033%); highest among the groups gnomAD compares: Non-Finnish European, 0.042%; no homozygotes.

Submission:

Labcorp Genetics (formerly Invitae), Labcorp
Classification: Uncertain significance. Last evaluated: 2022-09-20. Review status: criteria provided, single submitter. Criteria: Invitae Variant Classification Sherloc (09022015). Collection method: clinical testing. Allele origin: germline.
Comment: This sequence change replaces proline, which is neutral and non-polar, with leucine, which is neutral and non-polar, at codon 685 of the CHUK protein (p.Pro685Leu). This variant is present in population databases (rs148373303, gnomAD 0.02%). This variant has not been reported in the literature in individuals affected with CHUK-related conditions. ClinVar contains an entry for this variant (Variation ID: 1394121). Algorithms developed to predict the effect of missense changes on protein structure and function are either unavailable or do not agree on the potential impact of this missense change (SIFT: "Not Available"; PolyPhen-2: "Benign"; Align-GVGD: "Not Available"). In summary, the available evidence is currently insufficient to determine the role of this variant in disease. Therefore, it has been classified as a Variant of Uncertain Significance.